The following is an entry in ClinVar:

ClinVar aggregate classification (germline): Uncertain significance. Review status: criteria provided, multiple submitters, no conflicts (2 of 4 stars). 6 submissions from 6 submitters: Uncertain significance (6). Last evaluated 2025-10-24.

Conditions:
Familial cancer of breast. Also called: hereditary breast carcinoma; Hereditary breast cancer; BREAST CANCER, FAMILIAL. Identifiers: Orphanet 227535, MedGen C0346153, MONDO:0016419, OMIM 114480. Disease mechanism: loss of function.
Hereditary cancer-predisposing syndrome. Also called: Tumor predisposition; Hereditary Cancer Syndrome; Neoplastic Syndromes, Hereditary; Hereditary neoplastic syndrome. Identifiers: Orphanet 140162, MedGen C0027672, MeSH D009386, MONDO:0015356.
Breast-ovarian cancer, familial, susceptibility to, 5 (BROVCA5). Identifiers: MedGen C5830615, MONDO:0957530, OMIM 620442.

gnomAD v4.1: 1 of 1,614,150 alleles (0.000062%); no homozygotes.

Submissions (6):

Labcorp Genetics (formerly Invitae), Labcorp
Classification: Uncertain significance for Familial cancer of breast. Last evaluated: 2025-10-24. Review status: criteria provided, single submitter. Criteria: Invitae Variant Classification Sherloc (09022015). Collection method: clinical testing. Allele origin: germline.
Comment: This sequence change replaces proline, which is neutral and non-polar, with alanine, which is neutral and non-polar, at codon 615 of the PALB2 protein (p.Pro615Ala). This variant is not present in population databases (gnomAD no frequency). This missense change has been observed in individual(s) with breast cancer, lymphoma, skin cancer, and/or urinary tract cancer (PMID: 37507557). ClinVar contains an entry for this variant (Variation ID: 485999). Invitae Evidence Modeling of protein sequence and biophysical properties (such as structural, functional, and spatial information, amino acid conservation, physicochemical variation, residue mobility, and thermodynamic stability) indicates that this missense variant is expected to disrupt PALB2 protein function with a positive predictive value of 80%. In summary, the available evidence is currently insufficient to determine the role of this variant in disease. Therefore, it has been classified as a Variant of Uncertain Significance.

Ambry Genetics
Classification: Uncertain significance for Hereditary cancer-predisposing syndrome. Last evaluated: 2025-10-15. Review status: criteria provided, single submitter. Criteria: Ambry Variant Classification Scheme 2023. Collection method: clinical testing. Allele origin: germline.
Comment: The p.P615A variant (also known as c.1843C>G), located in coding exon 5 of the PALB2 gene, results from a C to G substitution at nucleotide position 1843. The proline at codon 615 is replaced by alanine, an amino acid with highly similar properties. This amino acid position is highly conserved in available vertebrate species. In addition, the in silico prediction for this alteration is inconclusive. Since supporting evidence is limited at this time, the clinical significance of this alteration remains unclear.

KCCC/NGS Laboratory, Kuwait Cancer Control Center
Classification: Uncertain significance for Breast-ovarian cancer, familial, susceptibility to, 5. Last evaluated: 2025-07-08. Review status: criteria provided, single submitter. Criteria: ACMG Guidelines, 2015. Collection method: clinical testing. Allele origin: germline. Inheritance: Autosomal dominant inheritance. Affected: yes. Observed: 1 heterozygote.
Comment: This sequence change replaces proline, which is neutral and non-polar, with alanine, which is neutral and non-polar, at codon 615 of the PALB2 protein (p.Pro615Ala). This amino acid position is highly conserved. This variant is not present in population databases (gnomAD no frequency). This variant has not been reported in the literature in individuals affected with PALB2-related conditions. ClinVar contains an entry for this variant (Variation ID: 485999). In addition, the in silico prediction for this alteration is inconclusive. In summary, the available evidence is currently insufficient to determine the role of this variant in disease. Therefore, it has been classified as a Variant of Uncertain Significance.

Blueprint Genetics
Classification: Uncertain significance. Last evaluated: 2024-06-09. Review status: criteria provided, single submitter. Criteria: ACMG Guidelines, 2015. Collection method: clinical testing. Allele origin: germline.

GeneDx
Classification: Uncertain significance. Last evaluated: 2022-09-02. Review status: criteria provided, single submitter. Criteria: GeneDx Variant Classification Process June 2021. Collection method: clinical testing. Allele origin: germline. Affected: yes.
Comment: Not observed at significant frequency in large population cohorts (gnomAD); In silico analysis supports that this missense variant has a deleterious effect on protein structure/function; Has not been previously published as pathogenic or benign to our knowledge; This variant is associated with the following publications: (PMID: 22941656)

Quest Diagnostics Nichols Institute San Juan Capistrano
Classification: Uncertain significance. Last evaluated: 2020-06-25. Review status: criteria provided, single submitter. Criteria: Quest Diagnostics criteria. Collection method: clinical testing. Allele origin: unknown.

Literature cited by the submitters: PubMed 37507557 (cited by Labcorp Genetics (formerly Invitae), Labcorp).

NM_024675.4(PALB2):c.1843C>G (p.Pro615Ala)

Gene: PALB2 (partner and localizer of BRCA2; minus strand). Cytogenetic location: 16p12.2.
Variant type: single nucleotide variant.
Coding change: c.1843C>G on transcript NM_024675.4 (MANE Select); coding-DNA position 1843, C replaced by G.
Protein change: p.Pro615Ala; replaces proline 615 with alanine.
Molecular consequence: missense variant.
Genome position (GRCh38, 1-based): chr16:23,630,311, G>C on the plus strand (C>G on the coding strand, the complement: PALB2 is on the minus strand). VCF-style: chr16-23630311-G-C. GRCh37 (hg19) VCF-style: chr16-23641632-G-C.
Other names: short protein forms P615A.
Identifiers: ClinVar variation 485999 (VCV000485999.21), dbSNP rs1019525144, ClinGen allele CA279493444.